The following is an entry in ClinVar:

GRCh38/hg38 15q13.2-13.3(chr15:30109224-32606466)x1

Genes: ARHGAP11A-DT (ARHGAP11A divergent transcript; minus strand), ARHGAP11B (Rho GTPase activating protein 11B), ARHGAP11B-DT (ARHGAP11B divergent transcript), CHRFAM7A (CHRNA7 (exons 5-10) and FAM7A (exons A-E) fusion; minus strand), CHRNA7 (cholinergic receptor nicotinic alpha 7 subunit) and 41 more. Cytogenetic location: 15q13.2-13.3.
Variant type: copy number loss.
Change: copy number 1 (one copy instead of two) of chr15:30,109,224-32,606,466 (2.50 Mb, GRCh38 coordinates, 1-based), cytogenetic band 15q13.2-13.3.
Identifiers: ClinVar variation 58650 (VCV000058650.2).

ClinVar aggregate classification (germline): Pathogenic (1 of 4 stars; one submission).

Submission:

ISCA Site 6
Classification: Pathogenic. Last evaluated: 2011-08-12. Review status: criteria provided, single submitter. Criteria: Kaminsky et al. (Genet Med. 2011). Collection method: clinical testing. Allele origin: unknown. Affected: yes. Observed: 2 variant alleles.
Comment: Copy number variation identified through the course of routine clinical cytogenomic testing in postnatal populations. Clinical assertions have been curated as described in Kaminsky et al. 2011.